The following is an entry in ClinVar:

ClinVar aggregate classification (germline): Uncertain significance. Review status: criteria provided, single submitter (1 of 4 stars). 2 submissions from 2 submitters: Uncertain significance (1). 1 of the submissions does not count toward it. Last evaluated 2024-10-01.

Conditions:
Zellweger spectrum disorders (ZS). Also called: Zellweger syndrome; Zellweger Spectrum Disorder (ZSD); Zellweger Spectrum Disorder; Zellweger Spectrum. Identifiers: Orphanet 912, MedGen C0043459, MONDO:0019609.
Peroxisome biogenesis disorder, complementation group 7 (CG7). Also called: Peroxisome biogenesis disorder, complementation group B. Identifiers: MedGen C1864399.

Allele frequency attached by ClinVar (database versions not stated): TOPMed below 0.00001; gnomAD 0.00001; gnomAD exomes 0.00001 and 0.00004.
gnomAD v4.1: 11 of 1,393,112 alleles (0.00079%); highest among the groups gnomAD compares: Admixed American, 0.0032%; no homozygotes.

Submissions (2):

Labcorp Genetics (formerly Invitae), Labcorp
Classification: Uncertain significance for Peroxisome biogenesis disorder, complementation group 7. Last evaluated: 2024-10-01. Review status: criteria provided, single submitter. Criteria: Invitae Variant Classification Sherloc (09022015). Collection method: clinical testing. Allele origin: germline.
Comment: This sequence change replaces glutamic acid, which is acidic and polar, with alanine, which is neutral and non-polar, at codon 10 of the PEX10 protein (p.Glu10Ala). This variant is present in population databases (no rsID available, gnomAD 0.009%). This variant has not been reported in the literature in individuals affected with PEX10-related conditions. ClinVar contains an entry for this variant (Variation ID: 1020093). An algorithm developed to predict the effect of missense changes on protein structure and function (PolyPhen-2) suggests that this variant is likely to be disruptive. In summary, the available evidence is currently insufficient to determine the role of this variant in disease. Therefore, it has been classified as a Variant of Uncertain Significance.

Natera, Inc.
Classification: Uncertain significance for Zellweger syndrome. Last evaluated: 2021-03-09. Review status: no assertion criteria provided. Collection method: clinical testing. Allele origin: germline. Not counted in ClinVar's aggregate classification.

NM_002617.4(PEX10):c.29A>C (p.Glu10Ala)

Gene: PEX10 (peroxisomal biogenesis factor 10; minus strand). Cytogenetic location: 1p36.32.
Variant type: single nucleotide variant.
Coding change: c.29A>C on transcript NM_002617.4 (MANE Select); coding-DNA position 29, A replaced by C.
Protein change: p.Glu10Ala; replaces glutamic acid 10 with alanine.
Molecular consequence: missense variant. On other transcripts: intron variant (2).
Genome position (GRCh38, 1-based): chr1:2,412,474, T>G on the plus strand (A>C on the coding strand, the complement: PEX10 is on the minus strand). VCF-style: chr1-2412474-T-G. GRCh37 (hg19) VCF-style: chr1-2343913-T-G.
Other names: c.29A>C, p.Glu10Ala (NM_001374425.1, NM_153818.2); c.-321+1123A>C (NM_001374427.1, NM_001374426.1); short protein forms E10A.
Identifiers: ClinVar variation 1020093 (VCV001020093.4), dbSNP rs1367685379, ClinGen allele CA337990697.